The following is an entry in ClinVar:

ClinVar aggregate classification (germline): Uncertain significance (1 of 4 stars; one submission).

Conditions:
Inborn genetic diseases. Identifiers: MedGen C0950123, MeSH D030342.

Submission:

Ambry Genetics
Classification: Uncertain significance for Inborn genetic diseases. Last evaluated: 2024-02-02. Review status: criteria provided, single submitter. Criteria: Ambry Variant Classification Scheme 2023. Collection method: clinical testing. Allele origin: germline.
Comment: The p.R61K variant (also known as c.182G>A), located in coding exon 3 of the ERCC2 gene, results from a G to A substitution at nucleotide position 182. The arginine at codon 61 is replaced by lysine, an amino acid with highly similar properties. This amino acid position is conserved. In addition, this alteration is predicted to be tolerated by in silico analysis. Based on the available evidence, the clinical significance of this alteration remains unclear.

NM_000400.4(ERCC2):c.182G>A (p.Arg61Lys)

Gene: ERCC2 (ERCC excision repair 2, TFIIH core complex helicase subunit; minus strand). Cytogenetic location: 19q13.32.
Variant type: single nucleotide variant.
Coding change: c.182G>A on transcript NM_000400.4 (MANE Select); coding-DNA position 182, G replaced by A.
Protein change: p.Arg61Lys; replaces arginine 61 with lysine.
Molecular consequence: missense variant.
Genome position (GRCh38, 1-based): chr19:45,369,071, C>T on the plus strand (G>A on the coding strand, the complement: ERCC2 is on the minus strand). VCF-style: chr19-45369071-C-T. GRCh37 (hg19) VCF-style: chr19-45872329-C-T.
Other names: c.110G>A, p.Arg37Lys (NM_001130867.2); short protein forms R37K, R61K.
Identifiers: ClinVar variation 3231661 (VCV003231661.1), dbSNP rs2514045505, ClinGen allele CA406379377.